The following is an entry in ClinVar:

NM_001018113.3(FANCB):c.1970A>G (p.Lys657Arg)

Gene: FANCB (FA complementation group B; minus strand). Cytogenetic location: Xp22.2.
Variant type: single nucleotide variant.
Coding change: c.1970A>G on transcript NM_001018113.3 (MANE Select); coding-DNA position 1970, A replaced by G.
Protein change: p.Lys657Arg; replaces lysine 657 with arginine.
Molecular consequence: missense variant.
Genome position (GRCh38, 1-based): chrX:14,844,698, T>C on the plus strand (A>G on the coding strand, the complement: FANCB is on the minus strand). VCF-style: chrX-14844698-T-C. GRCh37 (hg19) VCF-style: chrX-14862820-T-C.
Other names: c.1970A>G, p.Lys657Arg (NM_001324162.2, NM_152633.4); short protein forms K657R.
Identifiers: ClinVar variation 1586897 (VCV001586897.10), dbSNP rs2092368529, ClinGen allele CA412439055.
Genomic context (GRCh38, chrX:14,844,698, plus strand): 5'-AAGAGCCACACCTTCATTGAATTCAGGGCATAGCCGGGTGATGTGATTTGAAAACAAGAT[T>C]TATGGAATGCTGCAAGAAGTGCAAAAAGATCTTCCATGTGCTCTACAAAAAAAGTCACAA-3'
Protein context (NP_001018123.1, residues 647-667): DLFALLAAFH[Lys657Arg]SCFQITSPGY

ClinVar aggregate classification (germline): Conflicting classifications of pathogenicity. Review status: criteria provided, conflicting classifications (1 of 4 stars). 2 submissions from 2 submitters: Uncertain significance (1); Likely benign (1). Last evaluated 2025-05-15.

Conditions:
Fanconi anemia (FA). Also called: Fanconi's anemia. Identifiers: Orphanet 84, MedGen C0015625, MeSH D005199, MONDO:0019391.

Allele frequency attached by ClinVar (database versions not stated): TOPMed below 0.00001; gnomAD exomes 0.00002.
gnomAD v4.1: 23 of 1,211,157 alleles (0.0019%); highest among the groups gnomAD compares: Non-Finnish European, 0.0026%; no homozygotes.

Submissions (2):

Dasa
Classification: Uncertain significance. Last evaluated: 2025-05-15. Review status: criteria provided, single submitter. Criteria: DASA Assertion Criteria. Collection method: clinical testing. Allele origin: germline.
Comment: NM_001018113.3(FANCB):c.1970A>G (p.Lys657Arg) is a missense variant that results in the substitution of lysine with arginine. This variant is rare in population databases. Computational prediction algorithms are consistent with a benign effect. The currently available literature and clinical evidence are not sufficient to establish a definitive association between this variant and the reported condition. Therefore, this variant is classified as a variant of uncertain significance.

Labcorp Genetics (formerly Invitae), Labcorp
Classification: Likely benign for Fanconi anemia. Last evaluated: 2023-10-03. Review status: criteria provided, single submitter. Criteria: Invitae Variant Classification Sherloc (09022015). Collection method: clinical testing. Allele origin: germline.